The following is an entry in ClinVar:

ClinVar aggregate classification (germline): Uncertain significance. Review status: criteria provided, multiple submitters, no conflicts (2 of 4 stars). 5 submissions from 5 submitters: Uncertain significance (5). Last evaluated 2026-05-26.

Conditions:
Leukoencephalopathy, hereditary diffuse, with spheroids 2 (HDLS2). Also called: LEUKOENCEPHALOPATHY, HEREDITARY DIFFUSE, WITH SPHEROIDS, SWEDISH TYPE. Identifiers: MedGen C5562044, MONDO:0030634, OMIM 619661.
Trichothiodystrophy 8, nonphotosensitive. Identifiers: MedGen C5562057, MONDO:0030517, OMIM 619691.
Developmental and epileptic encephalopathy, 29 (DEE29). Also called: Epileptic encephalopathy, early infantile, 29. Identifiers: Orphanet 442835, MedGen C4225361, MONDO:0014593, OMIM 616339.
Charcot-Marie-Tooth disease axonal type 2N (CMT2N). Also called: Charcot-Marie-Tooth Neuropathy Type 2N; CHARCOT-MARIE-TOOTH DISEASE, AXONAL, AUTOSOMAL DOMINANT, TYPE 2N; CHARCOT-MARIE-TOOTH NEUROPATHY, AXONAL, TYPE 2N. Identifiers: Orphanet 228174, MedGen C2750090, MONDO:0013212, OMIM 613287.
AARS1-related disorder. Also called: AARS1-related condition.
Inborn genetic diseases. Identifiers: MedGen C0950123, MeSH D030342.
Charcot-Marie-Tooth disease type 2. Also called: Charcot-Marie-Tooth type 2. Identifiers: Orphanet 64746, MedGen C0270914, MONDO:0018993.

Allele frequency attached by ClinVar (database versions not stated): TOPMed 0.00003; gnomAD 0.00004 and 0.00005; 1000 Genomes Project 30x 0.00016; 1000 Genomes Project 0.00020.

Submissions (5):

PreventionGenetics, part of Exact Sciences
Classification: Uncertain significance for AARS1-related condition. Last evaluated: 2026-05-26. Review status: criteria provided, single submitter. Criteria: ACMG Guidelines, 2015. Collection method: clinical testing. Allele origin: germline.
Comment: The AARS1 c.959G>A variant is predicted to result in the amino acid substitution p.Arg320His. This variant has been reported in an individual with Charcot-Marie-Tooth disease (Suppl. Table 3, Vaeth et al. 2019. PubMed ID: 29653220). This variant is reported in 0.049% of alleles in individuals of South Asian descent in gnomAD. At this time, the clinical significance of this variant is uncertain due to the absence of conclusive functional and genetic evidence.

Ambry Genetics
Classification: Uncertain significance for Inborn genetic diseases. Last evaluated: 2025-10-02. Review status: criteria provided, single submitter. Criteria: Ambry Variant Classification Scheme 2023. Collection method: clinical testing. Allele origin: germline.

Labcorp Genetics (formerly Invitae), Labcorp
Classification: Uncertain significance for Charcot-Marie-Tooth disease type 2. Last evaluated: 2024-10-09. Review status: criteria provided, single submitter. Criteria: Invitae Variant Classification Sherloc (09022015). Collection method: clinical testing. Allele origin: germline.
Comment: This sequence change replaces arginine, which is basic and polar, with histidine, which is basic and polar, at codon 320 of the AARS protein (p.Arg320His). This variant is present in population databases (rs557600847, gnomAD 0.05%). This missense change has been observed in individual(s) with clinical features of Charcot-Marie-Tooth disease (PMID: 29653220). ClinVar contains an entry for this variant (Variation ID: 476746). Invitae Evidence Modeling of protein sequence and biophysical properties (such as structural, functional, and spatial information, amino acid conservation, physicochemical variation, residue mobility, and thermodynamic stability) has been performed for this missense variant. However, the output from this modeling did not meet the statistical confidence thresholds required to predict the impact of this variant on AARS protein function. In summary, the available evidence is currently insufficient to determine the role of this variant in disease. Therefore, it has been classified as a Variant of Uncertain Significance.

Neuberg Centre For Genomic Medicine, NCGM
Classification: Uncertain significance for Developmental and epileptic encephalopathy, 29. Last evaluated: 2023-02-14. Review status: criteria provided, single submitter. Criteria: ACMG Guidelines, 2015. Collection method: clinical testing. Allele origin: germline. Inheritance: Autosomal dominant inheritance. Affected: yes.
Comment: The missense variant c.959G>A (p.Arg320His) in the AARS1 gene has not been reported previously as a pathogenic variant nor as a benign variant, to our knowledge. This variant is reported with the allele frequency (0.007%) in the gnomAD Exomes and novel (not in any individuals) in 1000 Genomes. This variant has been reported to the ClinVar database as Uncertain Significance. However, no details are available for independent assessment. The amino acid Arginine at position 320 is changed to a Histidine changing protein sequence and it might alter its composition and physico- chemical properties. The variant is predicted as damaging by SIFT. The amino acid change p.Arg320His in AARS1 is predicted as conserved by GERP++ and PhyloP across 100 vertebrates. For these reasons, this variant has been classified as Uncertain Significance.

Fulgent Genetics
Classification: Uncertain significance for Charcot-Marie-Tooth disease axonal type 2N; Developmental and epileptic encephalopathy, 29; Leukoencephalopathy, hereditary diffuse, with spheroids 2; Trichothiodystrophy 8, nonphotosensitive. Last evaluated: 2021-07-28. Review status: criteria provided, single submitter. Criteria: ACMG Guidelines, 2015. Collection method: clinical testing. Allele origin: unknown.

Literature cited by the submitters: PubMed 29653220 (cited by Labcorp Genetics (formerly Invitae), Labcorp).

NM_001605.3(AARS1):c.959G>A (p.Arg320His)

Gene: AARS1 (alanyl-tRNA synthetase 1; minus strand). Cytogenetic location: 16q22.1.
Variant type: single nucleotide variant.
Coding change: c.959G>A on transcript NM_001605.3 (MANE Select); coding-DNA position 959, G replaced by A.
Protein change: p.Arg320His; replaces arginine 320 with histidine.
Molecular consequence: missense variant.
Genome position (GRCh38, 1-based): chr16:70,269,621, C>T on the plus strand (G>A on the coding strand, the complement: AARS1 is on the minus strand). VCF-style: chr16-70269621-C-T. GRCh37 (hg19) VCF-style: chr16-70303524-C-T.
Other names: short protein forms R320H.
Identifiers: ClinVar variation 476746 (VCV000476746.16), dbSNP rs557600847, ClinGen allele CA8140987.